The following is an entry in ClinVar:

ClinVar aggregate classification (germline): Pathogenic. Review status: criteria provided, multiple submitters, no conflicts (2 of 4 stars). 3 submissions from 3 submitters: Pathogenic (3). Last evaluated 2022-02-02.

Conditions:
Polycystic kidney disease, adult type (PKD1). Also called: Polycystic Kidney Disease 1, Autosomal Dominant; Polycystic kidney disease 1; Polycystic kidney disease 1, severe; Polycystic Kidney, Autosomal Dominant; POLYCYSTIC KIDNEY DISEASE 1 WITH OR WITHOUT POLYCYSTIC LIVER DISEASE; POLYCYSTIC KIDNEY DISEASE, ADULT, TYPE I. Identifiers: MedGen C3149841, MONDO:0008263, OMIM 173900.

Submissions (3):

Victorian Clinical Genetics Services, Murdoch Childrens Research Institute
Classification: Pathogenic for Polycystic kidney disease, adult type. Last evaluated: 2022-02-02. Review status: criteria provided, single submitter. Criteria: ACMG Guidelines, 2015. Collection method: clinical testing. Allele origin: germline. Inheritance: Autosomal dominant inheritance.
Comment: Based on the classification scheme VCGS_Germline_v1.3.4, this variant is classified as Pathogenic. Following criteria are met: 0102 - Loss of function is a known mechanism of disease in this gene and is associated with polycystic kidney disease 1 (MIM#173900). (I) 0107 - This gene is associated with autosomal dominant disease. Polycystic kidney disease 1 (MIM#173900) is predominantly caused by monoallelic variants, with rare reports of biallelic variants causing disease (OMIM). (I) 0201 - Variant is predicted to cause nonsense-mediated decay (NMD) and loss of protein (premature termination codon is located at least 54 nucleotides upstream of the final exon-exon junction). (SP) 0251 - This variant is heterozygous. (I) 0301 - Variant is absent from gnomAD (both v2 and v3). (SP) 0701 - Other NMD-predicted variants comparable to the one identified in this case have very strong previous evidence for pathogenicity. There are multiple NMD-predicted variants that have been reported as likely pathogenic and pathogenic (DECIPHER, ClinVar). (SP) 0803 - This variant has limited previous evidence of pathogenicity in unrelated individuals. This variant has been reported as pathogenic in ClinVar and has been observed in another individual with ADPKD (PMID: 26150605). (SP) 0905 - No published segregation evidence has been identified for this variant. (I) 1007 - No published functional evidence has been identified for this variant. (I) Legend: (SP) - Supporting pathogenic, (I) - Information, (SB) - Supporting benign

Molecular Genetics of Inherited Kidney Disorders Laboratory, Garvan Institute of Medical Research
Classification: Pathogenic. Last evaluated: 2019-01-01. Review status: criteria provided, single submitter. Criteria: ACMG Guidelines, 2015. Collection method: clinical testing. Allele origin: germline. Affected: yes.

Juno Genomics, Hangzhou Juno Genomics, Inc
Classification: Pathogenic for Polycystic kidney disease, adult type. Review status: criteria provided, single submitter. Criteria: ACMG Guidelines, 2015. Collection method: clinical testing. Allele origin: germline. Affected: yes.
Comment: Absent from controls (or at extremely low frequency if recessive) in Genome Aggregation Database, Exome Sequencing Project, 1000 Genomes Project, or Exome Aggregation Consortium.;Null variant in a gene where loss of function (LOF) is a known mechanism of disease.;The prevalence of the variant in affected individuals is significantly increased compared to the prevalence in controls.;Patient's phenotype or family history is highly specific for a disease with a single genetic etiology.

Literature cited by the submitters: PubMed 26150605 (cited by Victorian Clinical Genetics Services, Murdoch Childrens Research Institute).

NM_001009944.3(PKD1):c.7642G>T (p.Glu2548Ter)

Gene: PKD1 (polycystin 1, transient receptor potential channel interacting; minus strand). Cytogenetic location: 16p13.3.
Variant type: single nucleotide variant.
Coding change: c.7642G>T on transcript NM_001009944.3 (MANE Select); coding-DNA position 7642, G replaced by T.
Protein change: p.Glu2548Ter; replaces glutamic acid 2548 with a stop codon.
Molecular consequence: nonsense.
Genome position (GRCh38, 1-based): chr16:2,106,152, C>A on the plus strand (G>T on the coding strand, the complement: PKD1 is on the minus strand). VCF-style: chr16-2106152-C-A. GRCh37 (hg19) VCF-style: chr16-2156153-C-A.
Other names: c.7642G>T, p.Glu2548Ter (NM_000296.4); short protein forms E2548*.
Identifiers: ClinVar variation 972850 (VCV000972850.4), dbSNP rs28369051, ClinGen allele CA394368398.
Genomic context (GRCh38, chr16:2,106,152, plus strand): 5'-TGTTGAGGGCGACCACAGCGGCTCCCAGCTGGTCCTGCACCACCACGGCCAGGCCCACCT[C>A]GAAGTGTGGCCTGAAACCCGGGGGCAGCACGGCTCCGTAGCTGGAGAGGCTGCCCTTGTA-3'